The following is an entry in ClinVar:

NM_002474.3(MYH11):c.65A>G (p.Asn22Ser)

Gene: MYH11 (myosin heavy chain 11; minus strand). Cytogenetic location: 16p13.11.
Variant type: single nucleotide variant.
Coding change: c.65A>G on transcript NM_002474.3 (MANE Select); coding-DNA position 65, A replaced by G.
Protein change: p.Asn22Ser; replaces asparagine 22 with serine.
Molecular consequence: missense variant.
Genome position (GRCh38, 1-based): chr16:15,838,188, T>C on the plus strand (A>G on the coding strand, the complement: MYH11 is on the minus strand). VCF-style: chr16-15838188-T-C. GRCh37 (hg19) VCF-style: chr16-15932045-T-C.
Other names: c.65A>G, p.Asn22Ser (NM_001040113.2, NM_001040114.2, NM_022844.3); short protein forms N22S.
Identifiers: ClinVar variation 3071500 (VCV003071500.1), dbSNP rs1321407433, ClinGen allele CA395198858.

ClinVar aggregate classification (germline): Uncertain significance (1 of 4 stars; one submission).

Conditions:
Familial thoracic aortic aneurysm and aortic dissection (TAAD). Also called: Thoracic aortic aneurysms and dissections. Identifiers: Orphanet 91387, MedGen C4707243, MONDO:0019625.

Allele frequency attached by ClinVar (database versions not stated): gnomAD exomes below 0.00001; TOPMed below 0.00001.
gnomAD v4.1: 1 of 1,614,090 alleles (0.000062%); highest among the groups gnomAD compares: African/African-American, 0.0013%; no homozygotes.

Submission:

All of Us Research Program, National Institutes of Health
Classification: Uncertain significance for Familial thoracic aortic aneurysm and aortic dissection. Last evaluated: 2023-06-08. Review status: criteria provided, single submitter. Criteria: ACMG Guidelines, 2015. Collection method: clinical testing. Allele origin: germline. Inheritance: Autosomal dominant inheritance. Observed: 1 variant allele, 1 heterozygote.
Comment: This missense variant replaces asparagine with serine at codon 22 of the MYH11 protein. Computational prediction suggests that this variant may not impact protein structure and function (internally defined REVEL score threshold <= 0.5, PMID: 27666373). To our knowledge, functional studies have not been reported for this variant. This variant has not been reported in individuals affected with MYH11-related disorders in the literature. This variant has not been identified in the general population by the Genome Aggregation Database (gnomAD). The available evidence is insufficient to determine the role of this variant in disease conclusively. Therefore, this variant is classified as a Variant of Uncertain Significance.

This study involves interpretation of variants in research participants for the purpose of population health screening. Participant phenotype was not available at the time of variant classification. Additional details can be found in publication PMID: 35346344, PMCID: PMC8962531